The following is an entry in ClinVar:

NM_001353694.2(TIAM1):c.1418C>T (p.Thr473Met)

Gene: TIAM1 (TIAM Rac1 associated GEF 1; minus strand). Cytogenetic location: 21q22.11.
Variant type: single nucleotide variant.
Coding change: c.1418C>T on transcript NM_001353694.2 (MANE Select); coding-DNA position 1418, C replaced by T.
Protein change: p.Thr473Met; replaces threonine 473 with methionine.
Molecular consequence: missense variant.
Genome position (GRCh38, 1-based): chr21:31,245,654, G>A on the plus strand (C>T on the coding strand, the complement: TIAM1 is on the minus strand). VCF-style: chr21-31245654-G-A. GRCh37 (hg19) VCF-style: chr21-32617970-G-A.
Other names: c.1418C>T, p.Thr473Met (NM_001353686.2, NM_001353687.2, NM_001353688.1 and 6 more transcripts); short protein forms T473M.
Identifiers: ClinVar variation 3326048 (VCV003326048.5).

ClinVar aggregate classification (germline): Uncertain significance. Review status: criteria provided, multiple submitters, no conflicts (2 of 4 stars). 3 submissions from 3 submitters: Uncertain significance (3). Last evaluated 2026-09-14.

gnomAD v4.1: 147 of 1,574,524 alleles (0.0093%); highest among the groups gnomAD compares: African/African-American, 0.14%; 2 homozygotes.

Submissions (3):

GeneDx
Classification: Uncertain significance. Last evaluated: 2026-09-14. Review status: criteria provided, single submitter. Criteria: GeneDx Variant Classification Process June 2021. Collection method: clinical testing. Allele origin: germline.
Comment: Observed with a second TIAM1 variant on the opposite allele (in trans) in a patient with epilepsy and developmental delay in published literature (PMID: 39913128); In silico analysis supports that this missense variant has a deleterious effect on protein structure/function; This variant is associated with the following publications: (PMID: 39913128)

CeGaT Center for Human Genetics Tuebingen
Classification: Uncertain significance. Last evaluated: 2026-08-01. Review status: criteria provided, single submitter. Criteria: CeGaT Center For Human Genetics Tuebingen Variant Classification Criteria Version 2. Collection method: clinical testing. Allele origin: germline. Affected: yes. Observed: 1 variant allele.

Ambry Genetics
Classification: Uncertain significance. Last evaluated: 2024-03-21. Review status: criteria provided, single submitter. Criteria: Ambry Variant Classification Scheme 2023. Collection method: clinical testing. Allele origin: germline.